The following is an entry in ClinVar:

NM_133433.4(NIPBL):c.5710-13_5710-12delinsAA

Gene: NIPBL (NIPBL cohesin loading factor; plus strand). Cytogenetic location: 5p13.2.
Variant type: Indel.
Coding change: c.5710-13_5710-12delinsAA on transcript NM_133433.4 (MANE Select); 13 bases into the intron before coding-DNA position 5710 through 12 bases into the intron before coding-DNA position 5710, CT replaced by AA.
Molecular consequence: intron variant.
Genome position (GRCh38, 1-based): chr5:37,026,216-37,026,217, CT replaced by AA. VCF-style: chr5-37026216-CT-AA. GRCh37 (hg19) VCF-style: chr5-37026318-CT-AA.
Other names: c.5710-13_5710-12delinsAA (NM_015384.5).
Identifiers: ClinVar variation 420642 (VCV000420642.2), dbSNP rs1064794606, ClinGen allele CA16618202.

ClinVar aggregate classification (germline): Likely pathogenic (1 of 4 stars; one submission).

Submission:

GeneDx
Classification: Likely pathogenic. Last evaluated: 2016-03-11. Review status: criteria provided, single submitter. Criteria: GeneDx Variant Classification (06012015). Collection method: clinical testing. Allele origin: germline. Affected: yes.
Comment: The c.5710-13_5710-12delCTinsAA variant in the NIPBL gene has not been reported previously as a pathogenic variant nor as a benign variant, to our knowledge. The c.5710-13_5710-12delCTinsAA variant causes the deletion of two nucleotides and the insertion of two abberant nucleotides, which is predicted to damage the splice acceptor site in intron 30. The c.5710-13_5710-12delCTinsAA variant was not observed in approximately 6500 individuals of European and African American ancestry in the NHLBI Exome Sequencing Project, indicating it is not a common benign variant in these populations. We interpret c.5710-13_5710-12delCTinsAA as a likely pathogenic variant.